The following is an entry in ClinVar:

ClinVar aggregate classification (germline): Uncertain significance (1 of 4 stars; one submission).

Allele frequency attached by ClinVar (database versions not stated): TOPMed below 0.00001; gnomAD 0.00001; ExAC 0.00002; gnomAD exomes 0.00004.
gnomAD v4.1: 60 of 1,613,910 alleles (0.0037%); highest among the groups gnomAD compares: Non-Finnish European, 0.0049%; no homozygotes.

Submission:

Labcorp Genetics (formerly Invitae), Labcorp
Classification: Uncertain significance. Last evaluated: 2023-07-19. Review status: criteria provided, single submitter. Criteria: Invitae Variant Classification Sherloc (09022015). Collection method: clinical testing. Allele origin: germline.
Comment: This sequence change replaces valine, which is neutral and non-polar, with isoleucine, which is neutral and non-polar, at codon 690 of the EGF protein (p.Val690Ile). This variant is present in population databases (rs755934636, gnomAD 0.002%). This variant has not been reported in the literature in individuals affected with EGF-related conditions. Algorithms developed to predict the effect of missense changes on protein structure and function output the following: SIFT: "Not Available"; PolyPhen-2: "Benign"; Align-GVGD: "Not Available". The isoleucine amino acid residue is found in multiple mammalian species, which suggests that this missense change does not adversely affect protein function. In summary, the available evidence is currently insufficient to determine the role of this variant in disease. Therefore, it has been classified as a Variant of Uncertain Significance.

NM_001963.6(EGF):c.2068G>A (p.Val690Ile)

Genes: EGF (epidermal growth factor; plus strand), LOC126807134 (BRD4-independent group 4 enhancer GRCh37_chr4:110900995-110902194; plus strand). Cytogenetic location: 4q25.
Variant type: single nucleotide variant.
Coding change: c.2068G>A on transcript NM_001963.6 (MANE Select); coding-DNA position 2068, G replaced by A.
Protein change: p.Val690Ile; replaces valine 690 with isoleucine.
Molecular consequence: missense variant.
Genome position (GRCh38, 1-based): chr4:109,979,986, G>A. VCF-style: chr4-109979986-G-A. GRCh37 (hg19) VCF-style: chr4-110901142-G-A.
Other names: c.2068G>A, p.Val690Ile (NM_001178130.3); c.1942G>A, p.Val648Ile (NM_001178131.3, NM_001357021.2); short protein forms V648I, V690I.
Identifiers: ClinVar variation 2849122 (VCV002849122.3), dbSNP rs755934636, ClinGen allele CA3043870.